The following is an entry in ClinVar:

ClinVar aggregate classification (germline): Benign (1 of 4 stars; one submission).

Allele frequency attached by ClinVar (database versions not stated): 1000 Genomes Project 30x 0.00344; 1000 Genomes Project 0.00419.
gnomAD v4.1: 1,116 of 1,613,350 alleles (0.069%); highest among the groups gnomAD compares: South Asian, 1.2%; 11 homozygotes.

Submission:

CeGaT Center for Human Genetics Tuebingen
Classification: Benign. Last evaluated: 2023-09-01. Review status: criteria provided, single submitter. Criteria: CeGaT Center For Human Genetics Tuebingen Variant Classification Criteria Version 2. Collection method: clinical testing. Allele origin: germline. Affected: yes. Observed: 1 variant allele.
Comment: MYH10: BP4, BS1, BS2

NM_001256012.3(MYH10):c.5706+5G>T

Gene: MYH10 (myosin heavy chain 10; minus strand). Cytogenetic location: 17p13.1.
Variant type: single nucleotide variant.
Coding change: c.5706+5G>T on transcript NM_001256012.3 (MANE Select); 5 bases into the intron after coding-DNA position 5706, G replaced by T.
Molecular consequence: intron variant.
Genome position (GRCh38, 1-based): chr17:8,478,333, C>A on the plus strand (G>T on the coding strand, the complement: MYH10 is on the minus strand). VCF-style: chr17-8478333-C-A. GRCh37 (hg19) VCF-style: chr17-8381651-C-A.
Other names: c.5643+5G>T (NM_001375266.1); c.5613+5G>T (NM_005964.5); c.5640+5G>T (NM_001256095.2).
Identifiers: ClinVar variation 2647457 (VCV002647457.24), dbSNP rs112022147, ClinGen allele CA8376741.
Genomic context (GRCh38, chr17:8,478,333, plus strand): 5'-CACCAGCTCATTCTCCACCAGTTCCTTTGCTCACGCGCTTCCCAGGGAGGCACTTCCTCG[C>A]GTACCTGCTCTTTATACTGGTCCGCGTGTCGACGCTCATCCTCAACCTGCATGAAGATTT-3'